The following is an entry in ClinVar:

ClinVar aggregate classification (germline): Uncertain significance. Review status: criteria provided, multiple submitters, no conflicts (2 of 4 stars). 2 submissions from 2 submitters: Uncertain significance (2). Last evaluated 2025-04-11.

Conditions:
Generalized epilepsy-paroxysmal dyskinesia syndrome (PNKD3). Also called: Generalized epilepsy and paroxysmal dyskinesia; Paroxysmal nonkinesigenic dyskinesia, 3, with or without generalized epilepsy. Identifiers: Orphanet 79137, MedGen C5574945, MONDO:0012276, OMIM 609446.

Submissions (2):

Labcorp Genetics (formerly Invitae), Labcorp
Classification: Uncertain significance for Generalized epilepsy-paroxysmal dyskinesia syndrome. Last evaluated: 2025-04-11. Review status: criteria provided, single submitter. Criteria: Invitae Variant Classification Sherloc (09022015). Collection method: clinical testing. Allele origin: germline.
Comment: This variant, c.27_56del, results in the deletion of 10 amino acid(s) of the KCNMA1 protein (p.Gly13_Ser22del), but otherwise preserves the integrity of the reading frame. This variant is not present in population databases (gnomAD no frequency). This variant has not been reported in the literature in individuals affected with KCNMA1-related conditions. ClinVar contains an entry for this variant (Variation ID: 955396). Experimental studies and prediction algorithms are not available or were not evaluated, and the functional significance of this variant is currently unknown. In summary, the available evidence is currently insufficient to determine the role of this variant in disease. Therefore, it has been classified as a Variant of Uncertain Significance.

GeneDx
Classification: Uncertain significance. Last evaluated: 2023-12-06. Review status: criteria provided, single submitter. Criteria: GeneDx Variant Classification Process June 2021. Collection method: clinical testing. Allele origin: germline. Affected: yes.
Comment: Reported as a de novo variant in an individual with autism, however this individual also harbored other de novo variants in genes that may be related to the phenotype (PMID: 35982159); In-frame deletion of 10 amino acids in a repetitive region with no known function; Observed in large population cohorts (gnomAD; internal data); This variant is associated with the following publications: (PMID: 35982159)

NM_001161352.2(KCNMA1):c.27_56del (p.Gly13_Ser22del)

Gene: KCNMA1 (potassium calcium-activated channel subfamily M alpha 1; minus strand). Cytogenetic location: 10q22.3.
Variant type: Deletion.
Coding change: c.27_56del on transcript NM_001161352.2 (MANE Select); coding-DNA positions 27 to 56, 30 bases deleted (CGGCAGCAGCGGCGGCGGCGGCGGCGGCGG).
Protein change: p.Gly13_Ser22del.
Molecular consequence: inframe deletion.
Genome position (GRCh38, 1-based): chr10:77,637,587-77,637,616, CCGCCGCCGCCGCCGCCGCCGCTGCTGCCG deleted on the plus strand (CGGCAGCAGCGGCGGCGGCGGCGGCGGCGG on the coding strand, the reverse complement: KCNMA1 is on the minus strand); deleting any 30 consecutive bases within chr10:77,637,587-77,637,630 gives the same sequence; the c. name uses the placement nearest the transcript's 3' end. VCF-style (leftmost placement, unchanged base first): chr10-77637586-TCCGCCGCCGCCGCCGCCGCCGCTGCTGCCG-T. GRCh37 (hg19) VCF-style: chr10-79397344-TCCGCCGCCGCCGCCGCCGCCGCTGCTGCCG-T.
Other names: c.27_56del, p.Gly13_Ser22del (NM_001014797.3, NM_001161353.2, NM_001271518.2 and 12 more transcripts).
Identifiers: ClinVar variation 955396 (VCV000955396.11), dbSNP rs1163075445, ClinGen allele CA668629628.